The following is an entry in ClinVar:

ClinVar aggregate classification (germline): Uncertain significance (1 of 4 stars; one submission).

Conditions:
Loeys-Dietz syndrome 4 (LDS4). Also called: ANEURYSM, AORTIC AND CEREBRAL, WITH ARTERIAL TORTUOSITY AND SKELETAL MANIFESTATIONS; TGFB2-Related Loeys-Dietz Syndrome. Identifiers: MedGen C3553762, MONDO:0013897, OMIM 614816.

Submission:

Labcorp Genetics (formerly Invitae), Labcorp
Classification: Uncertain significance for Loeys-Dietz syndrome 4. Last evaluated: 2025-10-07. Review status: criteria provided, single submitter. Criteria: Invitae Variant Classification Sherloc (09022015). Collection method: clinical testing. Allele origin: germline.
Comment: This sequence change replaces valine, which is neutral and non-polar, with glutamic acid, which is acidic and polar, at codon 190 of the TGFB2 protein (p.Val190Glu). This variant is not present in population databases (gnomAD no frequency). This variant has not been reported in the literature in individuals affected with TGFB2-related conditions. Invitae Evidence Modeling of protein sequence and biophysical properties (such as structural, functional, and spatial information, amino acid conservation, physicochemical variation, residue mobility, and thermodynamic stability) indicates that this missense variant is not expected to disrupt TGFB2 protein function with a negative predictive value of 80%. In summary, the available evidence is currently insufficient to determine the role of this variant in disease. Therefore, it has been classified as a Variant of Uncertain Significance.

NM_003238.6(TGFB2):c.569T>A (p.Val190Glu)

Gene: TGFB2 (transforming growth factor beta 2; plus strand). Cytogenetic location: 1q41.
Variant type: single nucleotide variant.
Coding change: c.569T>A on transcript NM_003238.6 (MANE Select); coding-DNA position 569, T replaced by A.
Protein change: p.Val190Glu; replaces valine 190 with glutamic acid.
Molecular consequence: missense variant. On other transcripts: non-coding transcript variant (2).
Genome position (GRCh38, 1-based): chr1:218,434,140, T>A. VCF-style: chr1-218434140-T-A. GRCh37 (hg19) VCF-style: chr1-218607482-T-A.
Other names: c.653T>A, p.Val218Glu (NM_001135599.4); short protein forms V218E, V190E.
Identifiers: ClinVar variation 4738227 (VCV004738227.1).